The following is an entry in ClinVar:

ClinVar aggregate classification (germline): Uncertain significance (1 of 4 stars; one submission).

Conditions:
Long QT syndrome (LQTS). Identifiers: MedGen C0023976, MeSH D008133, MONDO:0002442. Disease mechanism: loss of function. Inheritance: Various modes of inheritance.

Submission:

Labcorp Genetics (formerly Invitae), Labcorp
Classification: Uncertain significance for Long QT syndrome. Last evaluated: 2025-04-26. Review status: criteria provided, single submitter. Criteria: Invitae Variant Classification Sherloc (09022015). Collection method: clinical testing. Allele origin: germline.
Comment: This sequence change replaces alanine, which is neutral and non-polar, with valine, which is neutral and non-polar, at codon 771 of the AKAP9 protein (p.Ala771Val). This variant is not present in population databases (gnomAD no frequency). This variant has not been reported in the literature in individuals affected with AKAP9-related conditions. An algorithm developed to predict the effect of missense changes on protein structure and function outputs the following: PolyPhen-2: "Benign". The valine amino acid residue is found in multiple mammalian species, which suggests that this missense change does not adversely affect protein function. In summary, the available evidence is currently insufficient to determine the role of this variant in disease. Therefore, it has been classified as a Variant of Uncertain Significance.

NM_005751.5(AKAP9):c.2312C>T (p.Ala771Val)

Gene: AKAP9 (A-kinase anchoring protein 9; plus strand). Cytogenetic location: 7q21.2.
Variant type: single nucleotide variant.
Coding change: c.2312C>T on transcript NM_005751.5 (MANE Select); coding-DNA position 2312, C replaced by T.
Protein change: p.Ala771Val; replaces alanine 771 with valine.
Molecular consequence: missense variant.
Genome position (GRCh38, 1-based): chr7:92,002,229, C>T. VCF-style: chr7-92002229-C-T. GRCh37 (hg19) VCF-style: chr7-91631543-C-T.
Other names: c.2312C>T, p.Ala771Val (NM_147185.3); short protein forms A771V.
Identifiers: ClinVar variation 4782275 (VCV004782275.1).